The following is an entry in ClinVar:

ClinVar aggregate classification (germline): Likely pathogenic (1 of 4 stars; one submission).

Submission:

Labcorp Genetics (formerly Invitae), Labcorp
Classification: Likely pathogenic. Last evaluated: 2023-06-05. Review status: criteria provided, single submitter. Criteria: Invitae Variant Classification Sherloc (09022015). Collection method: clinical testing. Allele origin: germline.
Comment: In summary, the currently available evidence indicates that the variant is pathogenic, but additional data are needed to prove that conclusively. Therefore, this variant has been classified as Likely Pathogenic. Algorithms developed to predict the effect of sequence changes on RNA splicing suggest that this variant may disrupt the consensus splice site. This variant has not been reported in the literature in individuals affected with HSD17B3-related conditions. This variant is not present in population databases (gnomAD no frequency). This sequence change affects an acceptor splice site in intron 4 of the HSD17B3 gene. It is expected to disrupt RNA splicing. Variants that disrupt the donor or acceptor splice site typically lead to a loss of protein function (PMID: 16199547), and loss-of-function variants in HSD17B3 are known to be pathogenic (PMID: 23796702, 25740850).

Literature cited by the submitters: PubMed 16199547; PubMed 23796702; PubMed 25740850.

NM_000197.2(HSD17B3):c.386-2A>C

Genes: HSD17B3 (hydroxysteroid 17-beta dehydrogenase 3; minus strand), SLC35D2-HSD17B3 (SLC35D2-HSD17B3 readthrough; minus strand). Cytogenetic location: 9q22.32.
Variant type: single nucleotide variant.
Coding change: c.386-2A>C on transcript NM_000197.2 (MANE Select); the canonical splice acceptor site of the intron before coding-DNA position 386, A replaced by C.
Molecular consequence: splice acceptor variant.
Genome position (GRCh38, 1-based): chr9:96,251,487, T>G on the plus strand (A>C on the coding strand, the complement: HSD17B3 is on the minus strand). VCF-style: chr9-96251487-T-G. GRCh37 (hg19) VCF-style: chr9-99013769-T-G.
Identifiers: ClinVar variation 2771146 (VCV002771146.3), dbSNP rs2490082729, ClinGen allele CA374125401.